The following is an entry in ClinVar:

NM_001194998.2(CEP152):c.1173+1G>T

Gene: CEP152 (centrosomal protein 152; minus strand). Cytogenetic location: 15q21.1.
Variant type: single nucleotide variant.
Coding change: c.1173+1G>T on transcript NM_001194998.2 (MANE Select); the canonical splice donor site of the intron after coding-DNA position 1173, G replaced by T.
Molecular consequence: splice donor variant.
Genome position (GRCh38, 1-based): chr15:48,788,800, C>A on the plus strand (G>T on the coding strand, the complement: CEP152 is on the minus strand). VCF-style: chr15-48788800-C-A. GRCh37 (hg19) VCF-style: chr15-49080997-C-A.
Other names: c.1173+1G>T (NM_014985.4).
Identifiers: ClinVar variation 2872795 (VCV002872795.3), dbSNP rs1291400582, ClinGen allele CA392355096.

ClinVar aggregate classification (germline): Likely pathogenic (1 of 4 stars; one submission).

Allele frequency attached by ClinVar (database versions not stated): gnomAD exomes below 0.00001; TOPMed 0.00002.
gnomAD v4.1: 1 of 1,613,690 alleles (0.000062%); highest among the groups gnomAD compares: African/African-American, 0.0013%; no homozygotes.

Submission:

Labcorp Genetics (formerly Invitae), Labcorp
Classification: Likely pathogenic. Last evaluated: 2023-12-11. Review status: criteria provided, single submitter. Criteria: Invitae Variant Classification Sherloc (09022015). Collection method: clinical testing. Allele origin: germline.
Comment: This sequence change affects a donor splice site in intron 9 of the CEP152 gene. It is expected to disrupt RNA splicing. Variants that disrupt the donor or acceptor splice site typically lead to a loss of protein function (PMID: 16199547), and loss-of-function variants in CEP152 are known to be pathogenic (PMID: 21131973). This variant is not present in population databases (gnomAD no frequency). This variant has not been reported in the literature in individuals affected with CEP152-related conditions. Algorithms developed to predict the effect of sequence changes on RNA splicing suggest that this variant may disrupt the consensus splice site. In summary, the currently available evidence indicates that the variant is pathogenic, but additional data are needed to prove that conclusively. Therefore, this variant has been classified as Likely Pathogenic.

Literature cited by the submitters: PubMed 16199547; PubMed 21131973.